The following is an entry in ClinVar:

ClinVar aggregate classification (germline): Likely benign (0 of 4 stars; one submission).

Conditions:
REEP6-related disorder. Also called: REEP6-related condition.

Submission:

PreventionGenetics, part of Exact Sciences
Classification: Likely benign for REEP6-related condition. Last evaluated: 2024-05-03. Review status: no assertion criteria provided. Collection method: clinical testing. Allele origin: germline.
Comment: This variant is classified as likely benign based on ACMG/AMP sequence variant interpretation guidelines (Richards et al. 2015 PMID: 25741868, with internal and published modifications).

NM_001329556.3(REEP6):c.588G>A (p.Leu196=)

Gene: REEP6 (receptor accessory protein 6; plus strand). Cytogenetic location: 19p13.3.
Variant type: single nucleotide variant.
Coding change: c.588G>A on transcript NM_001329556.3 (MANE Plus Clinical); coding-DNA position 588, G replaced by A.
Protein change: p.Leu196=; no amino-acid change (leucine 196 retained).
Molecular consequence: synonymous variant. On other transcripts: intron variant (1).
Genome position (GRCh38, 1-based): chr19:1,496,661, G>A. VCF-style: chr19-1496661-G-A. GRCh37 (hg19) VCF-style: chr19-1496660-G-A.
Other names: c.517+208G>A (NM_138393.4).
Identifiers: ClinVar variation 3351304 (VCV003351304.1).